The following is an entry in ClinVar:

ClinVar aggregate classification (germline): Pathogenic (1 of 4 stars; one submission).

Conditions:
Hermansky-Pudlak syndrome 9 (HPS9). Identifiers: Orphanet 280663, Orphanet 79430, MedGen C3280026, MONDO:0013606, OMIM 614171.

Submission:

Labcorp Genetics (formerly Invitae), Labcorp
Classification: Pathogenic for Hermansky-Pudlak syndrome 9. Last evaluated: 2023-12-21. Review status: criteria provided, single submitter. Criteria: Invitae Variant Classification Sherloc (09022015). Collection method: clinical testing. Allele origin: germline.
Comment: This sequence change creates a premature translational stop signal (p.Lys68Serfs*24) in the BLOC1S6 gene. It is expected to result in an absent or disrupted protein product. Loss-of-function variants in BLOC1S6 are known to be pathogenic (PMID: 10610180, 21665000, 22461475). This variant is not present in population databases (gnomAD no frequency). This variant has not been reported in the literature in individuals affected with BLOC1S6-related conditions. For these reasons, this variant has been classified as Pathogenic.

Literature cited by the submitters: PubMed 10610180; PubMed 21665000; PubMed 22461475.

NM_012388.4(BLOC1S6):c.203_207del (p.Lys68fs)

Gene: BLOC1S6 (biogenesis of lysosomal organelles complex 1 subunit 6; plus strand). Cytogenetic location: 15q21.1.
Variant type: Deletion.
Coding change: c.203_207del on transcript NM_012388.4 (MANE Select); coding-DNA positions 203 to 207, 5 bases deleted (AACAA; older notation c.203_207delAACAA).
Protein change: p.Lys68fs; shifts the reading frame from lysine 68.
Molecular consequence: frameshift variant. On other transcripts: non-coding transcript variant (5).
Genome position (GRCh38, 1-based): chr15:45,592,255-45,592,259, AACAA deleted; deleting any 5 consecutive bases within chr15:45,592,252-45,592,259 gives the same sequence; the c. name uses the placement nearest the transcript's 3' end. VCF-style (leftmost placement, unchanged base first): chr15-45592251-TCAAAA-T. GRCh37 (hg19) VCF-style: chr15-45884449-TCAAAA-T.
Other names: c.218_222del, p.Lys73fs (NM_001311255.1, NM_001311256.1); short protein forms K68fs, K73fs.
Identifiers: ClinVar variation 2990226 (VCV002990226.2), dbSNP rs2542271399, ClinGen allele CA2740096548.